The following is an entry in ClinVar:

NM_001111.5(ADAR):c.3571G>C (p.Asp1191His)

Gene: ADAR (adenosine deaminase RNA specific; minus strand). Cytogenetic location: 1q21.3.
Variant type: single nucleotide variant.
Coding change: c.3571G>C on transcript NM_001111.5 (MANE Select); coding-DNA position 3571, G replaced by C.
Protein change: p.Asp1191His; replaces aspartic acid 1191 with histidine.
Molecular consequence: missense variant.
Genome position (GRCh38, 1-based): chr1:154,584,916, C>G on the plus strand (G>C on the coding strand, the complement: ADAR is on the minus strand). VCF-style: chr1-154584916-C-G. GRCh37 (hg19) VCF-style: chr1-154557392-C-G.
Other names: c.2686G>C, p.Asp896His (NM_001025107.3, NM_001193495.2, NM_001365046.1 and 2 more transcripts); c.3598G>C, p.Asp1200His (NM_001365045.1); c.2608G>C, p.Asp870His (NM_001365049.1); c.3493G>C, p.Asp1165His (NM_015840.4); c.3436G>C, p.Asp1146His (NM_015841.4); short protein forms D1146H, D870H, D896H, D1165H, D1191H, D1200H.
Identifiers: ClinVar variation 2046945 (VCV002046945.4), dbSNP rs1381168024, ClinGen allele CA342634672.
Genomic context (GRCh38, chr1:154,584,916, plus strand): 5'-AGTTCCCATAGCCCATATCCTTCAGGCCTTTTTTGAAGTAGTTCTTGGCCGTCTCGTAGT[C>G]ACGGGCAGCTTTCTTGGCCTCACCATAGGAGAGTCTCAGTAGATCCCTGCGGTAACGGAA-3'
Protein context (NP_001102.3, residues 1181-1201): SYGEAKKAAR[Asp1191His]YETAKNYFKK

ClinVar aggregate classification (germline): Uncertain significance (1 of 4 stars; one submission).

Conditions:
Aicardi-Goutieres syndrome 6 (AGS6). Identifiers: Orphanet 51, MedGen C3539013, MONDO:0014007, OMIM 615010.
Symmetrical dyschromatosis of extremities (DSH). Also called: DYSCHROMATOSIS SYMMETRICA HEREDITARIA 1; RETICULATE ACROPIGMENTATION OF DOHI; SYMMETRIC DYSCHROMATOSIS OF THE EXTREMITIES; Dyschromatosis symmetrica hereditaria. Identifiers: Orphanet 41, MedGen C0406775, MONDO:0007483, OMIM 127400.

Allele frequency attached by ClinVar (database versions not stated): TOPMed below 0.00001; gnomAD exomes below 0.00001.
gnomAD v4.1: 1 of 1,614,186 alleles (0.000062%); highest among the groups gnomAD compares: Non-Finnish European, 0.000085%; no homozygotes.

Submission:

Labcorp Genetics (formerly Invitae), Labcorp
Classification: Uncertain significance for Aicardi-Goutieres syndrome 6; Symmetrical dyschromatosis of extremities. Last evaluated: 2025-07-25. Review status: criteria provided, single submitter. Criteria: Invitae Variant Classification Sherloc (09022015). Collection method: clinical testing. Allele origin: germline.
Comment: This sequence change replaces aspartic acid, which is acidic and polar, with histidine, which is basic and polar, at codon 1191 of the ADAR protein (p.Asp1191His). This variant is not present in population databases (gnomAD no frequency). This variant has not been reported in the literature in individuals affected with ADAR-related conditions. ClinVar contains an entry for this variant (Variation ID: 2046945). Invitae Evidence Modeling of protein sequence and biophysical properties (such as structural, functional, and spatial information, amino acid conservation, physicochemical variation, residue mobility, and thermodynamic stability) indicates that this missense variant is not expected to disrupt ADAR protein function with a negative predictive value of 80%. In summary, the available evidence is currently insufficient to determine the role of this variant in disease. Therefore, it has been classified as a Variant of Uncertain Significance.